The following is an entry in ClinVar:

NM_024496.4(IRF2BPL):c.2262_2266del (p.Glu755fs)

Gene: IRF2BPL (interferon regulatory factor 2 binding protein like; minus strand). Cytogenetic location: 14q24.3.
Variant type: Deletion.
Coding change: c.2262_2266del on transcript NM_024496.4 (MANE Select); coding-DNA positions 2262 to 2266, 5 bases deleted (CGAGG; older notation c.2262_2266delCGAGG).
Protein change: p.Glu755fs; shifts the reading frame from glutamic acid 755.
Molecular consequence: frameshift variant.
Genome position (GRCh38, 1-based): chr14:77,025,527-77,025,531, CCTCG deleted on the plus strand (CGAGG on the coding strand, the reverse complement: IRF2BPL is on the minus strand); deleting any 5 consecutive bases within chr14:77,025,527-77,025,533 gives the same sequence; the c. name uses the placement nearest the transcript's 3' end. VCF-style (leftmost placement, unchanged base first): chr14-77025526-ACCTCG-A. GRCh37 (hg19) VCF-style: chr14-77491869-ACCTCG-A.
Other names: short protein forms E755fs.
Identifiers: ClinVar variation 3572825 (VCV003572825.2).

ClinVar aggregate classification (germline): Uncertain significance (1 of 4 stars; one submission).

Submission:

GeneDx
Classification: Uncertain significance. Last evaluated: 2025-09-09. Review status: criteria provided, single submitter. Criteria: GeneDx Variant Classification Process June 2021. Collection method: clinical testing. Allele origin: germline.
Comment: Not observed at significant frequency in large population cohorts (gnomAD); Frameshift variant predicted to result in abnormal protein length as the last 42 amino acids are replaced with 32 different amino acids; Has not been previously published as pathogenic or benign to our knowledge